The following is an entry in ClinVar:

NM_031418.4(ANO3):c.101G>C (p.Arg34Pro)

Gene: ANO3 (anoctamin 3; plus strand). Cytogenetic location: 11p14.2.
Variant type: single nucleotide variant.
Coding change: c.101G>C on transcript NM_031418.4 (MANE Select); coding-DNA position 101, G replaced by C.
Protein change: p.Arg34Pro; replaces arginine 34 with proline.
Molecular consequence: missense variant.
Genome position (GRCh38, 1-based): chr11:26,441,972, G>C. VCF-style: chr11-26441972-G-C. GRCh37 (hg19) VCF-style: chr11-26463519-G-C.
Other names: c.284G>C, p.Arg95Pro (NM_001313726.2); short protein forms R34P, R95P.
Identifiers: ClinVar variation 3624572 (VCV003624572.2).

ClinVar aggregate classification (germline): Uncertain significance (1 of 4 stars; one submission).

Conditions:
Dystonic disorder. Also called: Dystonia. Identifiers: MedGen C0013421, MONDO:0003441, HP:0001332.

gnomAD v4.1: 6 of 1,613,908 alleles (0.00037%); highest among the groups gnomAD compares: Middle Eastern, 0.099%; no homozygotes.

Submission:

Labcorp Genetics (formerly Invitae), Labcorp
Classification: Uncertain significance for Dystonic disorder. Last evaluated: 2024-06-21. Review status: criteria provided, single submitter. Criteria: Invitae Variant Classification Sherloc (09022015). Collection method: clinical testing. Allele origin: germline.
Comment: This sequence change replaces arginine, which is basic and polar, with proline, which is neutral and non-polar, at codon 34 of the ANO3 protein (p.Arg34Pro). This variant is not present in population databases (gnomAD no frequency). This variant has not been reported in the literature in individuals affected with ANO3-related conditions. Advanced modeling of protein sequence and biophysical properties (such as structural, functional, and spatial information, amino acid conservation, physicochemical variation, residue mobility, and thermodynamic stability) performed at Invitae indicates that this missense variant is not expected to disrupt ANO3 protein function with a negative predictive value of 95%. In summary, the available evidence is currently insufficient to determine the role of this variant in disease. Therefore, it has been classified as a Variant of Uncertain Significance.